The following is an entry in ClinVar:

ClinVar aggregate classification (germline): Uncertain significance. Review status: criteria provided, multiple submitters, no conflicts (2 of 4 stars). 2 submissions from 2 submitters: Uncertain significance (2). Last evaluated 2025-05-06.

Conditions:
Inborn genetic diseases. Identifiers: MedGen C0950123, MeSH D030342.

Allele frequency attached by ClinVar (database versions not stated): gnomAD exomes below 0.00001; gnomAD 0.00001; TOPMed 0.00001.
gnomAD v4.1: 6 of 1,613,918 alleles (0.00037%); highest among the groups gnomAD compares: Admixed American, 0.0033%; no homozygotes.

Submissions (2):

Ambry Genetics
Classification: Uncertain significance for Inborn genetic diseases. Last evaluated: 2025-05-06. Review status: criteria provided, single submitter. Criteria: Ambry Variant Classification Scheme 2023. Collection method: clinical testing. Allele origin: germline.

Labcorp Genetics (formerly Invitae), Labcorp
Classification: Uncertain significance. Last evaluated: 2025-04-16. Review status: criteria provided, single submitter. Criteria: Invitae Variant Classification Sherloc (09022015). Collection method: clinical testing. Allele origin: germline.
Comment: This sequence change replaces arginine, which is basic and polar, with glutamine, which is neutral and polar, at codon 308 of the RGS9 protein (p.Arg308Gln). This variant is present in population databases (no rsID available, gnomAD 0.003%). This variant has not been reported in the literature in individuals affected with RGS9-related conditions. ClinVar contains an entry for this variant (Variation ID: 953896). Invitae Evidence Modeling of protein sequence and biophysical properties (such as structural, functional, and spatial information, amino acid conservation, physicochemical variation, residue mobility, and thermodynamic stability) indicates that this missense variant is not expected to disrupt RGS9 protein function with a negative predictive value of 80%. In summary, the available evidence is currently insufficient to determine the role of this variant in disease. Therefore, it has been classified as a Variant of Uncertain Significance.

NM_003835.4(RGS9):c.923G>A (p.Arg308Gln)

Gene: RGS9 (regulator of G protein signaling 9; plus strand). Cytogenetic location: 17q24.1.
Variant type: single nucleotide variant.
Coding change: c.923G>A on transcript NM_003835.4 (MANE Select); coding-DNA position 923, G replaced by A.
Protein change: p.Arg308Gln; replaces arginine 308 with glutamine.
Molecular consequence: missense variant.
Genome position (GRCh38, 1-based): chr17:65,197,188, G>A. VCF-style: chr17-65197188-G-A. GRCh37 (hg19) VCF-style: chr17-63193306-G-A.
Other names: c.914G>A, p.Arg305Gln (NM_001081955.3, NM_001165933.2); short protein forms R305Q, R308Q.
Identifiers: ClinVar variation 953896 (VCV000953896.8), dbSNP rs998344084, ClinGen allele CA293058971.